The following is an entry in ClinVar:

ClinVar aggregate classification (germline): Likely benign. Review status: criteria provided, multiple submitters, no conflicts (2 of 4 stars). 3 submissions from 3 submitters: Likely benign (3). Last evaluated 2025-10-13.

Conditions:
GFI1-related disorder. Also called: GFI1-related condition.
Neutropenia, severe congenital, 2, autosomal dominant. Identifiers: Orphanet 486, MedGen C2751288, MONDO:0013139, OMIM 613107.

Allele frequency attached by ClinVar (database versions not stated): ExAC 0.00004; gnomAD exomes 0.00004; ESP Exome Variant Server 0.00008; gnomAD 0.00015 and 0.00017; TOPMed 0.00016.
gnomAD v4.1: 51 of 1,612,552 alleles (0.0032%); highest among the groups gnomAD compares: African/African-American, 0.061%; no homozygotes.

Submissions (3):

Labcorp Genetics (formerly Invitae), Labcorp
Classification: Likely benign for Neutropenia, severe congenital, 2, autosomal dominant. Last evaluated: 2025-10-13. Review status: criteria provided, single submitter. Criteria: Invitae Variant Classification Sherloc (09022015). Collection method: clinical testing. Allele origin: germline.

PreventionGenetics, part of Exact Sciences
Classification: Likely benign for GFI1-related condition. Last evaluated: 2024-10-31. Review status: criteria provided, single submitter. Criteria: ACMG Guidelines, 2015. Collection method: clinical testing. Allele origin: germline.
Comment: This variant is classified as likely benign based on ACMG/AMP sequence variant interpretation guidelines (Richards et al. 2015 PMID: 25741868, with internal and published modifications).

Breakthrough Genomics
Classification: Likely benign. Review status: criteria provided, single submitter. Criteria: ACMG Guidelines, 2015. Collection method: not provided. Allele origin: germline. Inheritance: Autosomal dominant inheritance. Affected: yes.

NM_005263.5(GFI1):c.83G>A (p.Arg28His)

Gene: GFI1 (growth factor independent 1 transcriptional repressor; minus strand). Cytogenetic location: 1p22.1.
Variant type: single nucleotide variant.
Coding change: c.83G>A on transcript NM_005263.5 (MANE Select); coding-DNA position 83, G replaced by A.
Protein change: p.Arg28His; replaces arginine 28 with histidine.
Molecular consequence: missense variant.
Genome position (GRCh38, 1-based): chr1:92,483,405, C>T on the plus strand (G>A on the coding strand, the complement: GFI1 is on the minus strand). VCF-style: chr1-92483405-C-T. GRCh37 (hg19) VCF-style: chr1-92948962-C-T.
Other names: c.83G>A, p.Arg28His (NM_001127215.3, NM_001127216.3); short protein forms R28H.
Identifiers: ClinVar variation 724166 (VCV000724166.12), dbSNP rs372866021, ClinGen allele CA951509.